The following is an entry in ClinVar:

NM_006206.6(PDGFRA):c.1616T>C (p.Ile539Thr)

Gene: PDGFRA (platelet derived growth factor receptor alpha; plus strand). Cytogenetic location: 4q12.
Variant type: single nucleotide variant.
Coding change: c.1616T>C on transcript NM_006206.6 (MANE Select); coding-DNA position 1616, T replaced by C.
Protein change: p.Ile539Thr; replaces isoleucine 539 with threonine.
Molecular consequence: missense variant.
Genome position (GRCh38, 1-based): chr4:54,274,588, T>C. VCF-style: chr4-54274588-T-C. GRCh37 (hg19) VCF-style: chr4-55140755-T-C.
Other names: c.1616T>C, p.Ile539Thr (NM_001347827.2, NM_001347829.2); c.1691T>C, p.Ile564Thr (NM_001347828.2); c.1655T>C, p.Ile552Thr (NM_001347830.2); short protein forms I539T, I552T, I564T.
Identifiers: ClinVar variation 459012 (VCV000459012.11), dbSNP rs1553904366, ClinGen allele CA356892930.
Genomic context (GRCh38, chr4:54,274,588, plus strand): 5'-TAGCCCTGCGTTCTGAACTCACGGTGGCTGCTGCAGTCCTGGTGCTGTTGGTGATTGTGA[T>C]CATCTCACTTATTGTCCTGGTTGTCATTTGGAAACAGGTAGATATTTTCTCATAAAACTA-3'
Protein context (NP_006197.1, residues 529-549): AAVLVLLVIV[Ile539Thr]ISLIVLVVIW

ClinVar aggregate classification (germline): Uncertain significance. Review status: criteria provided, multiple submitters, no conflicts (2 of 4 stars). 2 submissions from 2 submitters: Uncertain significance (2). Last evaluated 2023-04-28.

Conditions:
Hereditary cancer-predisposing syndrome. Also called: Tumor predisposition; Hereditary neoplastic syndrome; Neoplastic Syndromes, Hereditary; Hereditary Cancer Syndrome. Identifiers: Orphanet 140162, MedGen C0027672, MeSH D009386, MONDO:0015356.
Gastrointestinal stromal tumor. Also called: Gastrointestinal stroma tumor; Gastrointestinal stromal tumor, somatic. Identifiers: Orphanet 44890, MedGen C0238198, MeSH D046152, MONDO:0011719, OMIM 606764, HP:0100723.

Submissions (2):

Ambry Genetics
Classification: Uncertain significance for Hereditary cancer-predisposing syndrome. Last evaluated: 2023-04-28. Review status: criteria provided, single submitter. Criteria: Ambry Variant Classification Scheme 2023. Collection method: clinical testing. Allele origin: germline.
Comment: The p.I539T variant (also known as c.1616T>C), located in coding exon 10 of the PDGFRA gene, results from a T to C substitution at nucleotide position 1616. The isoleucine at codon 539 is replaced by threonine, an amino acid with similar properties. This amino acid position is conserved. In addition, this alteration is predicted to be deleterious by in silico analysis. Since supporting evidence is limited at this time, the clinical significance of this alteration remains unclear.

Labcorp Genetics (formerly Invitae), Labcorp
Classification: Uncertain significance for Gastrointestinal stromal tumor. Last evaluated: 2017-02-15. Review status: criteria provided, single submitter. Criteria: Invitae Variant Classification Sherloc (09022015). Collection method: clinical testing. Allele origin: germline.
Comment: In summary, this variant is a novel missense change with uncertain impact on protein function. It has been classified as a Variant of Uncertain Significance. Algorithms developed to predict the effect of missense changes on protein structure and function (SIFT, PolyPhen-2, Align-GVGD) all suggest that this variant is likely to be disruptive, but these predictions have not been confirmed by published functional studies. This variant is not present in population databases (ExAC no frequency) and has not been reported in the literature in individuals with a PDGFRA-related disease. This sequence change replaces isoleucine with threonine at codon 539 of the PDGFRA protein (p.Ile539Thr). The isoleucine residue is highly conserved and there is a moderate physicochemical difference between isoleucine and threonine.